The following is an entry in ClinVar:

NM_001123385.2(BCOR):c.977C>T (p.Pro326Leu)

Genes: BCOR (BCL6 corepressor; minus strand), LOC126863239 (MED14-independent group 3 enhancer GRCh37_chrX:39932994-39934193; plus strand). Cytogenetic location: Xp11.4.
Variant type: single nucleotide variant.
Coding change: c.977C>T on transcript NM_001123385.2 (MANE Select); coding-DNA position 977, C replaced by T.
Protein change: p.Pro326Leu; replaces proline 326 with leucine.
Molecular consequence: missense variant.
Genome position (GRCh38, 1-based): chrX:40,074,369, G>A on the plus strand (C>T on the coding strand, the complement: BCOR is on the minus strand). VCF-style: chrX-40074369-G-A. GRCh37 (hg19) VCF-style: chrX-39933622-G-A.
Other names: c.977C>T, p.Pro326Leu (NM_001123383.2, NM_001123384.2, NM_017745.6); short protein forms P326L.
Identifiers: ClinVar variation 2045429 (VCV002045429.5), dbSNP rs200141801, ClinGen allele CA10386985.
Genomic context (GRCh38, chrX:40,074,369, plus strand): 5'-GGAAGGTGGACTCGGGGTGACGGCCGAGGCGAGGGGGGCAACAGGAGAGCTGTGTCCCCC[G>A]GCAGGCCACTGGTGACCGCCTTGGCAGAGGGAACCCTGGGCTGCTTACTGTTCTGGATGT-3'
Protein context (NP_001116857.1, residues 316-336): PSAKAVTSGL[Pro326Leu]GDTALLLPPS

ClinVar aggregate classification (germline): Uncertain significance. Review status: criteria provided, multiple submitters, no conflicts (2 of 4 stars). 2 submissions from 2 submitters: Uncertain significance (2). Last evaluated 2025-07-07.

Conditions:
Oculofaciocardiodental syndrome (MCOPS2). Identifiers: Orphanet 2712, MedGen C1846265, MONDO:0010261, OMIM 300166.

Allele frequency attached by ClinVar (database versions not stated): ExAC 0.00001; gnomAD exomes 0.00003; TOPMed 0.00003; gnomAD 0.00004.
gnomAD v4.1: 35 of 1,209,918 alleles (0.0029%); highest among the groups gnomAD compares: South Asian, 0.0088%; 1 homozygote.

Submissions (2):

Labcorp Genetics (formerly Invitae), Labcorp
Classification: Uncertain significance for Oculofaciocardiodental syndrome. Last evaluated: 2025-07-07. Review status: criteria provided, single submitter. Criteria: Invitae Variant Classification Sherloc (09022015). Collection method: clinical testing. Allele origin: germline.
Comment: This sequence change replaces proline, which is neutral and non-polar, with leucine, which is neutral and non-polar, at codon 326 of the BCOR protein (p.Pro326Leu). This variant is present in population databases (rs200141801, gnomAD 0.006%). This variant has not been reported in the literature in individuals affected with BCOR-related conditions. ClinVar contains an entry for this variant (Variation ID: 2045429). An algorithm developed to predict the effect of missense changes on protein structure and function (PolyPhen-2) suggests that this variant is likely to be disruptive. In summary, the available evidence is currently insufficient to determine the role of this variant in disease. Therefore, it has been classified as a Variant of Uncertain Significance.

Blueprint Genetics
Classification: Uncertain significance. Last evaluated: 2023-01-17. Review status: criteria provided, single submitter. Criteria: ACMG Guidelines, 2015. Collection method: clinical testing. Allele origin: germline.